The following is an entry in ClinVar:

NM_001372044.2(SHANK3):c.3156C>T (p.Gly1052=)

Gene: SHANK3 (SH3 and multiple ankyrin repeat domains 3; plus strand). Cytogenetic location: 22q13.33.
Variant type: single nucleotide variant.
Coding change: c.3156C>T on transcript NM_001372044.2 (MANE Select); coding-DNA position 3156, C replaced by T.
Protein change: p.Gly1052=; no amino-acid change (glycine 1052 retained).
Molecular consequence: synonymous variant.
Genome position (GRCh38, 1-based): chr22:50,720,764, C>T. VCF-style: chr22-50720764-C-T. GRCh37 (hg19) VCF-style: chr22-51159192-C-T.
Identifiers: ClinVar variation 4535903 (VCV004535903.1).
Genomic context (GRCh38, chr22:50,720,764, plus strand): 5'-GCTGCAGGTGGAGGACGCGCAGGAGCGCGCGGCCCTGGCCGTGGGCAGCCCCGGTCCCGG[C>T]GGCGGCAGCTTCGCCCGCGAGCCCTCCCCGACCCACCGCGGTCCGCGCCCGGGTGGCCTC-3'
Protein context (NP_001358973.1, residues 1042-1062): AALAVGSPGP[Gly1052=]GGSFAREPSP

ClinVar aggregate classification (germline): Likely benign (1 of 4 stars; one submission).

Submission:

Women's Health and Genetics/Laboratory Corporation of America, LabCorp
Classification: Likely benign. Last evaluated: 2025-09-02. Review status: criteria provided, single submitter. Criteria: LabCorp Variant Classification Summary - May 2015. Collection method: clinical testing. Allele origin: germline.
Comment: Variant summary: SHANK3 c.3156C>T results in a synonymous change. Consensus agreement among computation tools predict no significant impact on normal splicing. However, these predictions have yet to be confirmed by functional studies. The frequency data for this variant in gnomAD is considered unreliable, as metrics indicate poor data quality at this position. To our knowledge, no occurrence of c.3156C>T in individuals affected with SHANK3-related conditions and no experimental evidence demonstrating its impact on protein function have been reported. No submitters have cited clinical-significance assessments for this variant to ClinVar. Based on the evidence outlined above, the variant was classified as likely benign.